The following is an entry in ClinVar:

ClinVar aggregate classification (germline): Uncertain significance (1 of 4 stars; one submission).

gnomAD v4.1: 4 of 1,614,094 alleles (0.00025%); highest among the groups gnomAD compares: Non-Finnish European, 0.00034%; no homozygotes.

Submission:

Women's Health and Genetics/Laboratory Corporation of America, LabCorp
Classification: Uncertain significance. Last evaluated: 2024-06-14. Review status: criteria provided, single submitter. Criteria: LabCorp Variant Classification Summary - May 2015. Collection method: clinical testing. Allele origin: germline.
Comment: Variant summary: HPS1 c.875A>G (p.Asp292Gly) results in a non-conservative amino acid change located in the Second Longin domain of FUZ, MON1 and HPS1 (IPR043971) of the encoded protein sequence. Three of five in-silico tools predict a damaging effect of the variant on protein function. The variant allele was found at a frequency of 4e-06 in 251336 control chromosomes. The available data on variant occurrences in the general population are insufficient to allow any conclusion about variant significance. To our knowledge, no occurrence of c.875A>G in individuals affected with Hermansky-Pudlak Syndrome and no experimental evidence demonstrating its impact on protein function have been reported. No submitters have cited clinical-significance assessments for this variant to ClinVar. Based on the evidence outlined above, the variant was classified as uncertain significance.

NM_000195.5(HPS1):c.875A>G (p.Asp292Gly)

Gene: HPS1 (HPS1 biogenesis of lysosomal organelles complex 3 subunit 1; minus strand). Cytogenetic location: 10q24.2.
Variant type: single nucleotide variant.
Coding change: c.875A>G on transcript NM_000195.5 (MANE Select); coding-DNA position 875, A replaced by G.
Protein change: p.Asp292Gly; replaces aspartic acid 292 with glycine.
Molecular consequence: missense variant. On other transcripts: 5 prime UTR variant (3).
Genome position (GRCh38, 1-based): chr10:98,429,635, T>C on the plus strand (A>G on the coding strand, the complement: HPS1 is on the minus strand). VCF-style: chr10-98429635-T-C. GRCh37 (hg19) VCF-style: chr10-100189392-T-C.
Other names: c.-98A>G (NM_001311345.2, NM_001322487.2, NM_001322489.2); c.875A>G, p.Asp292Gly (NM_001322476.2, NM_001322477.2, NM_182639.4); c.776A>G, p.Asp259Gly (NM_001322478.2, NM_001322479.2, NM_001322491.2); c.614A>G, p.Asp205Gly (NM_001322480.2, NM_001322481.2); c.515A>G, p.Asp172Gly (NM_001322482.2); c.506A>G, p.Asp169Gly (NM_001322483.2, NM_001322484.2); c.407A>G, p.Asp136Gly (NM_001322485.2); c.757A>G, p.Thr253Ala (NM_001322490.2); and 1 more; short protein forms D136G, D169G, D172G, D205G, D259G, D292G, T220A, T253A.
Identifiers: ClinVar variation 3340059 (VCV003340059.1).